The following is an entry in ClinVar:

ClinVar aggregate classification (germline): Uncertain significance (1 of 4 stars; one submission).

Submission:

Labcorp Genetics (formerly Invitae), Labcorp
Classification: Uncertain significance. Last evaluated: 2020-10-27. Review status: criteria provided, single submitter. Criteria: Invitae Variant Classification Sherloc (09022015). Collection method: clinical testing. Allele origin: germline.
Comment: In summary, the available evidence is currently insufficient to determine the role of this variant in disease. Therefore, it has been classified as a Variant of Uncertain Significance. Algorithms developed to predict the effect of sequence changes on RNA splicing suggest that this variant may create or strengthen a splice site, but this prediction has not been confirmed by published transcriptional studies. Algorithms developed to predict the effect of missense changes on protein structure and function are either unavailable or do not agree on the potential impact of this missense change (SIFT: "Deleterious"; PolyPhen-2: "Benign"; Align-GVGD: "Class C65"). This variant has not been reported in the literature in individuals with NBAS-related conditions. This variant is not present in population databases (ExAC no frequency). This sequence change replaces serine with alanine at codon 173 of the NBAS protein (p.Ser173Ala). The serine residue is highly conserved and there is a moderate physicochemical difference between serine and alanine.

NM_015909.4(NBAS):c.517T>G (p.Ser173Ala)

Gene: NBAS (NBAS subunit of NRZ tethering complex; minus strand). Cytogenetic location: 2p24.3.
Variant type: single nucleotide variant.
Coding change: c.517T>G on transcript NM_015909.4 (MANE Select); coding-DNA position 517, T replaced by G.
Protein change: p.Ser173Ala; replaces serine 173 with alanine.
Molecular consequence: missense variant. On other transcripts: non-coding transcript variant (1).
Genome position (GRCh38, 1-based): chr2:15,536,548, A>C on the plus strand (T>G on the coding strand, the complement: NBAS is on the minus strand). VCF-style: chr2-15536548-A-C. GRCh37 (hg19) VCF-style: chr2-15676672-A-C.
Other names: short protein forms S173A.
Identifiers: ClinVar variation 1461874 (VCV001461874.8), dbSNP rs2148684385, ClinGen allele CA345886481.
Genomic context (GRCh38, chr2:15,536,548, plus strand): 5'-CTTTATATTCTAAAAATATCAACCCAGCAATGGCATAGCTTAAGTCACCTATAAAACTAG[A>C]TGCCTACAGAAGAGGGGGAAATTAAGTTACTAAAAAAAAAAAAACTAGATAAAAGTTAAC-3'
Protein context (NP_056993.2, residues 163-183): GSELFVISPA[Ser173Ala]SFIGDLSYAI